The following is an entry in ClinVar:

ClinVar aggregate classification (germline): Likely benign (1 of 4 stars; one submission).

Submission:

CeGaT Center for Human Genetics Tuebingen
Classification: Likely benign. Last evaluated: 2023-03-01. Review status: criteria provided, single submitter. Criteria: CeGaT Center For Human Genetics Tuebingen Variant Classification Criteria Version 2. Collection method: clinical testing. Allele origin: germline. Affected: yes. Observed: 1 variant allele.
Comment: AHRR: BP4, BP7

NM_001377236.1(AHRR):c.981C>T (p.Ser327=)

Genes: AHRR (aryl hydrocarbon receptor repressor; plus strand), PDCD6-AHRR (PDCD6-AHRR readthrough (NMD candidate); plus strand). Cytogenetic location: 5p15.33.
Variant type: single nucleotide variant.
Coding change: c.981C>T on transcript NM_001377236.1 (MANE Select); coding-DNA position 981, C replaced by T.
Protein change: p.Ser327=; no amino-acid change (serine 327 retained).
Molecular consequence: synonymous variant. On other transcripts: non-coding transcript variant (2).
Genome position (GRCh38, 1-based): chr5:432,816, C>T. VCF-style: chr5-432816-C-T. GRCh37 (hg19) VCF-style: chr5-432931-C-T.
Other names: c.981C>T, p.Ser327= (NM_001377239.1).
Identifiers: ClinVar variation 2655245 (VCV002655245.24), dbSNP rs1161326844, ClinGen allele CA442691543.